The following is an entry in ClinVar:

ClinVar aggregate classification (germline): not provided (0 of 4 stars; one submission).

Conditions:
Familial long QT syndrome (RWS). Also called: Congenital long QT syndrome; Romano-Ward syndrome; VENTRICULAR FIBRILLATION WITH PROLONGED QT INTERVAL. Identifiers: Orphanet 768, MedGen C1141890, MONDO:0019171.

Submission:

Cardiovascular Biomedical Research Unit, Royal Brompton & Harefield NHS Foundation Trust
No classification provided. Condition: Familial long QT syndrome. Review status: no classification provided. Collection method: literature only. Allele origin: germline.
Comment: This variant has been reported as associated with Long QT syndrome in the following publications (PMID:19716085). This is a literature report, and does not necessarily reflect the clinical interpretation of the Imperial College / Royal Brompton Cardiovascular Genetics laboratory.

Literature cited by the submitters: PubMed 19716085; PubMed 22581653.

NM_000238.4(KCNH2):c.2309T>C (p.Val770Ala)

Gene: KCNH2 (potassium voltage-gated channel subfamily H member 2; minus strand). Cytogenetic location: 7q36.1.
Variant type: single nucleotide variant.
Coding change: c.2309T>C on transcript NM_000238.4 (MANE Select); coding-DNA position 2309, T replaced by C.
Protein change: p.Val770Ala; replaces valine 770 with alanine.
Molecular consequence: missense variant.
Genome position (GRCh38, 1-based): chr7:150,950,257, A>G on the plus strand (T>C on the coding strand, the complement: KCNH2 is on the minus strand). VCF-style: chr7-150950257-A-G. GRCh37 (hg19) VCF-style: chr7-150647345-A-G.
Other names: c.2309T>C (LRG_288t1); c.1289T>C, p.Val430Ala (NM_001204798.2, NM_172057.3); c.2021T>C, p.Val674Ala (NM_001406753.1, NM_001406756.1); c.2132T>C, p.Val711Ala (NM_001406755.1); c.2009T>C, p.Val670Ala (NM_001406757.1); c.2309T>C, p.Val770Ala (NM_172056.3); short protein forms V430A, V770A, V711A, V670A, V674A.
Identifiers: ClinVar variation 67384 (VCV000067384.3), dbSNP rs199472994, ClinGen allele CA006433.